The following is an entry in ClinVar:

NM_015450.3(POT1):c.113G>T (p.Ser38Ile)

Gene: POT1 (protection of telomeres 1; minus strand). Cytogenetic location: 7q31.33.
Variant type: single nucleotide variant.
Coding change: c.113G>T on transcript NM_015450.3 (MANE Select); coding-DNA position 113, G replaced by T.
Protein change: p.Ser38Ile; replaces serine 38 with isoleucine.
Molecular consequence: missense variant. On other transcripts: 5 prime UTR variant (1), non-coding transcript variant (3).
Genome position (GRCh38, 1-based): chr7:124,892,277, C>A on the plus strand (G>T on the coding strand, the complement: POT1 is on the minus strand). VCF-style: chr7-124892277-C-A. GRCh37 (hg19) VCF-style: chr7-124532331-C-A.
Other names: c.-150G>T (NM_001042594.2); short protein forms S38I.
Identifiers: ClinVar variation 1313771 (VCV001313771.6), dbSNP rs1796390486, ClinGen allele CA369065973.

ClinVar aggregate classification (germline): Conflicting classifications of pathogenicity. Review status: criteria provided, conflicting classifications (1 of 4 stars). 2 submissions from 2 submitters: Likely pathogenic (1); Uncertain significance (1). Last evaluated 2026-04-16.

Conditions:
Hereditary cancer-predisposing syndrome. Also called: Neoplastic Syndromes, Hereditary; Tumor predisposition; Hereditary Cancer Syndrome; Hereditary neoplastic syndrome. Identifiers: Orphanet 140162, MedGen C0027672, MeSH D009386, MONDO:0015356.

Submissions (2):

Ambry Genetics
Classification: Uncertain significance for Hereditary cancer-predisposing syndrome. Last evaluated: 2026-04-16. Review status: criteria provided, single submitter. Criteria: Ambry Variant Classification Scheme 2023. Collection method: clinical testing. Allele origin: germline.
Comment: The p.S38I variant (also known as c.113G>T), located in coding exon 2 of the POT1 gene, results from a G to T substitution at nucleotide position 113. The serine at codon 38 is replaced by isoleucine, an amino acid with dissimilar properties. This amino acid position is highly conserved in available vertebrate species. In addition, this alteration is predicted to be deleterious by in silico analysis. Based on the available evidence, the clinical significance of this variant remains unclear.

GeneDx
Classification: Likely pathogenic. Last evaluated: 2025-09-12. Review status: criteria provided, single submitter. Criteria: GeneDx Variant Classification Process June 2021. Collection method: clinical testing. Allele origin: germline. Affected: yes.
Comment: Not observed at significant frequency in large population cohorts (gnomAD); In silico analysis supports that this missense variant has a deleterious effect on protein structure/function; Has not been previously published as pathogenic or benign to our knowledge